The following is an entry in ClinVar:

NM_024753.5(TTC21B):c.2783A>G (p.Tyr928Cys)

Gene: TTC21B (tetratricopeptide repeat domain 21B; minus strand). Cytogenetic location: 2q24.3.
Variant type: single nucleotide variant.
Coding change: c.2783A>G on transcript NM_024753.5 (MANE Select); coding-DNA position 2783, A replaced by G.
Protein change: p.Tyr928Cys; replaces tyrosine 928 with cysteine.
Molecular consequence: missense variant.
Genome position (GRCh38, 1-based): chr2:165,899,855, T>C on the plus strand (A>G on the coding strand, the complement: TTC21B is on the minus strand). VCF-style: chr2-165899855-T-C. GRCh37 (hg19) VCF-style: chr2-166756365-T-C.
Other names: short protein forms Y928C.
Identifiers: ClinVar variation 3345138 (VCV003345138.1).

ClinVar aggregate classification (germline): Uncertain significance (0 of 4 stars; one submission).

Conditions:
TTC21B-related disorder. Also called: TTC21B-related condition; TTC21B-related disorders.

Submission:

PreventionGenetics, part of Exact Sciences
Classification: Uncertain significance for TTC21B-related condition. Last evaluated: 2024-08-20. Review status: no assertion criteria provided. Collection method: clinical testing. Allele origin: germline.
Comment: The TTC21B c.2783A>G variant is predicted to result in the amino acid substitution p.Tyr928Cys. To our knowledge, this variant has not been reported in the literature or in a large population database, indicating this variant is rare. At this time, the clinical significance of this variant is uncertain due to the absence of conclusive functional and genetic evidence.